The following is an entry in ClinVar:

NM_002528.7(NTHL1):c.319A>G (p.Thr107Ala)

Gene: NTHL1 (nth like DNA glycosylase 1; minus strand). Cytogenetic location: 16p13.3.
Variant type: single nucleotide variant.
Coding change: c.319A>G on transcript NM_002528.7 (MANE Select); coding-DNA position 319, A replaced by G.
Protein change: p.Thr107Ala; replaces threonine 107 with alanine.
Molecular consequence: missense variant. On other transcripts: intron variant (1).
Genome position (GRCh38, 1-based): chr16:2,046,163, T>C on the plus strand (A>G on the coding strand, the complement: NTHL1 is on the minus strand). VCF-style: chr16-2046163-T-C. GRCh37 (hg19) VCF-style: chr16-2096164-T-C.
Other names: c.319A>G, p.Thr107Ala (NM_001318193.2); c.24+117A>G (NM_001318194.2); short protein forms T107A.
Identifiers: ClinVar variation 1485741 (VCV001485741.6), dbSNP rs1015524126, ClinGen allele CA394295319.

ClinVar aggregate classification (germline): Uncertain significance (1 of 4 stars; one submission).

Allele frequency attached by ClinVar (database versions not stated): gnomAD exomes below 0.00001.

Submission:

Labcorp Genetics (formerly Invitae), Labcorp
Classification: Uncertain significance. Last evaluated: 2021-01-29. Review status: criteria provided, single submitter. Criteria: Invitae Variant Classification Sherloc (09022015). Collection method: clinical testing. Allele origin: germline.
Comment: This sequence change replaces threonine with alanine at codon 115 of the NTHL1 protein (p.Thr115Ala). The threonine residue is weakly conserved and there is a small physicochemical difference between threonine and alanine. This variant is not present in population databases (ExAC no frequency). This variant has not been reported in the literature in individuals with NTHL1-related conditions. Algorithms developed to predict the effect of missense changes on protein structure and function output the following: SIFT: "Not Available"; PolyPhen-2: "Benign"; Align-GVGD: "Not Available". The alanine amino acid residue is found in multiple mammalian species, suggesting that this missense change does not adversely affect protein function. These predictions have not been confirmed by published functional studies and their clinical significance is uncertain. In summary, the available evidence is currently insufficient to determine the role of this variant in disease. Therefore, it has been classified as a Variant of Uncertain Significance.